The following is an entry in ClinVar:

NM_005535.3(IL12RB1):c.1791+46T>C

Gene: IL12RB1 (interleukin 12 receptor subunit beta 1; minus strand). Cytogenetic location: 19p13.11.
Variant type: single nucleotide variant.
Coding change: c.1791+46T>C on transcript NM_005535.3 (MANE Select); 46 bases into the intron after coding-DNA position 1791, T replaced by C.
Molecular consequence: intron variant.
Genome position (GRCh38, 1-based): chr19:18,061,076, A>G on the plus strand (T>C on the coding strand, the complement: IL12RB1 is on the minus strand). VCF-style: chr19-18061076-A-G. GRCh37 (hg19) VCF-style: chr19-18171886-A-G.
Other names: c.1911+46T>C (NM_001290024.2); c.1791+46T>C (NM_001290023.2); c.1812+46T>C (NM_001440425.1, NM_001440424.1).
Identifiers: ClinVar variation 2688394 (VCV002688394.2), dbSNP rs383483, ClinGen allele CA9304681.

ClinVar aggregate classification (germline): Benign (1 of 4 stars; one submission).

Allele frequency attached by ClinVar (database versions not stated): 1000 Genomes Project 0.42093; 1000 Genomes Project 30x 0.42676; TOPMed 0.47740; gnomAD exomes 0.48257; gnomAD 0.49142; ExAC 0.49777; ESP Exome Variant Server 0.51887.
gnomAD v4.1: 468,614 of 968,378 alleles (48%); highest among the groups gnomAD compares: African/African-American, 52%; 116,140 homozygotes.

Submission:

Unidad de Genómica Garrahan, Hospital de Pediatría Garrahan
Classification: Benign. Last evaluated: 2024-01-24. Review status: criteria provided, single submitter. Criteria: ACMG Guidelines, 2015. Collection method: clinical testing. Allele origin: germline. Affected: no. Observed: 52 variant alleles.
Comment: This variant is classified as Benign based on local population frequency. This variant was detected in 59% of patients studied by a panel of primary immunodeficiencies. Number of patients: 52. Only high quality variants are reported.